The following is an entry in ClinVar:

ClinVar aggregate classification (germline): Uncertain significance (1 of 4 stars; one submission).

Submission:

CeGaT Center for Human Genetics Tuebingen
Classification: Uncertain significance. Last evaluated: 2025-04-01. Review status: criteria provided, single submitter. Criteria: CeGaT Center For Human Genetics Tuebingen Variant Classification Criteria Version 2. Collection method: clinical testing. Allele origin: germline. Affected: yes. Observed: 1 variant allele.
Comment: BRCA2: PM2, BP4

NM_000059.4(BRCA2):c.7976+4A>T

Gene: BRCA2 (BRCA2 DNA repair associated; plus strand). Cytogenetic location: 13q13.1.
Variant type: single nucleotide variant.
Coding change: c.7976+4A>T on transcript NM_000059.4 (MANE Select); 4 bases into the intron after coding-DNA position 7976, A replaced by T.
Molecular consequence: intron variant.
Genome position (GRCh38, 1-based): chr13:32,362,697, A>T. VCF-style: chr13-32362697-A-T. GRCh37 (hg19) VCF-style: chr13-32936834-A-T.
Other names: c.7976+4A>T (NM_001432077.1, NM_001406720.1); c.7880+4A>T (NM_001406719.1); c.3044+4A>T (NM_001406721.1); c.1559+4A>T (NM_001406722.1).
Identifiers: ClinVar variation 3898741 (VCV003898741.7).
Genomic context (GRCh38, chr13:32,362,697, plus strand): 5'-GGAATTTGCTAATAGATGCCTAAGCCCAGAAAGGGTGCTTCTTCAACTAAAATACAGGCA[A>T]GTTTAAAGCATTACATTACGTAATCATATACGGCAGTATGGTTAAGGTTTCTGTGTAGTC-3'